The following is an entry in ClinVar:

NM_000245.4(MET):c.3485A>G (p.His1162Arg)

Gene: MET (MET proto-oncogene, receptor tyrosine kinase; plus strand). Cytogenetic location: 7q31.2.
Variant type: single nucleotide variant.
Coding change: c.3485A>G on transcript NM_000245.4 (MANE Select); coding-DNA position 3485, A replaced by G.
Protein change: p.His1162Arg; replaces histidine 1162 with arginine.
Molecular consequence: missense variant.
Genome position (GRCh38, 1-based): chr7:116,778,920, A>G. VCF-style: chr7-116778920-A-G. GRCh37 (hg19) VCF-style: chr7-116418974-A-G.
Other names: c.3539A>G, p.His1180Arg (NM_001127500.3); c.2195A>G, p.His732Arg (NM_001324402.2); short protein forms H1162R, H732R, H1180R.
Identifiers: ClinVar variation 3395112 (VCV003395112.1).

ClinVar aggregate classification (germline): Uncertain significance (1 of 4 stars; one submission).

Conditions:
Hereditary cancer-predisposing syndrome. Also called: Hereditary Cancer Syndrome; Tumor predisposition; Hereditary neoplastic syndrome; Neoplastic Syndromes, Hereditary. Identifiers: Orphanet 140162, MedGen C0027672, MeSH D009386, MONDO:0015356.

gnomAD v4.1: 1 of 1,614,002 alleles (0.000062%); highest among the groups gnomAD compares: Non-Finnish European, 0.000085%; no homozygotes.

Submission:

Ambry Genetics
Classification: Uncertain significance for Hereditary cancer-predisposing syndrome. Last evaluated: 2024-08-06. Review status: criteria provided, single submitter. Criteria: Ambry Variant Classification Scheme 2023. Collection method: clinical testing. Allele origin: germline.
Comment: The p.H1180R variant (also known as c.3539A>G), located in coding exon 16 of the MET gene, results from an A to G substitution at nucleotide position 3539. The histidine at codon 1180 is replaced by arginine, an amino acid with highly similar properties. This amino acid position is highly conserved in available vertebrate species. In addition, the in silico prediction for this alteration is inconclusive. Based on the available evidence, the clinical significance of this variant remains unclear.